The following is an entry in ClinVar:

NM_005993.5(TBCD):c.818C>T (p.Ala273Val)

Gene: TBCD (tubulin folding cofactor D). Cytogenetic location: 17q25.3.
Variant type: single nucleotide variant.
Coding change: c.818C>T on transcript NM_005993.5 (MANE Select); coding-DNA position 818, C replaced by T.
Protein change: p.Ala273Val; replaces alanine 273 with valine.
Molecular consequence: missense variant.
Genome position (GRCh38, 1-based): chr17:82,800,864, C>T. VCF-style: chr17-82800864-C-T. GRCh37 (hg19) VCF-style: chr17-80758740-C-T.
Other names: c.767C>T, p.Ala256Val (NM_001411101.1); c.818C>T, p.Ala273Val (NM_001411102.1); short protein forms A256V, A273V.
Identifiers: ClinVar variation 1712030 (VCV001712030.5), dbSNP rs774443065, ClinGen allele CA8861789.
Genomic context (GRCh38, chr17:82,800,864, plus strand): 5'-GTGGTGCAGTCAGAAGATGCCTGCAGCCCTTCCTGCGCTGAGTCCAGTTCTTGTTTGCAG[C>T]TGCCACTGTCCTCAGGTGCCTCGATGGCTGCAGACTCCCTGAGAGCAACCAGACCCTGCT-3'
Protein context (NP_005984.3, residues 263-283): HGKREDCLPY[Ala273Val]ATVLRCLDGC

ClinVar aggregate classification (germline): Uncertain significance. Review status: criteria provided, multiple submitters, no conflicts (2 of 4 stars). 3 submissions from 3 submitters: Uncertain significance (3). Last evaluated 2022-07-10.

Allele frequency attached by ClinVar (database versions not stated): gnomAD 0.00007; gnomAD exomes 0.00007; TOPMed 0.00008; ExAC 0.00020.
gnomAD v4.1: 118 of 1,612,018 alleles (0.0073%); highest among the groups gnomAD compares: Admixed American, 0.018%; no homozygotes.

Submissions (3):

Labcorp Genetics (formerly Invitae), Labcorp
Classification: Uncertain significance. Last evaluated: 2022-07-10. Review status: criteria provided, single submitter. Criteria: Invitae Variant Classification Sherloc (09022015). Collection method: clinical testing. Allele origin: germline.
Comment: This sequence change replaces alanine, which is neutral and non-polar, with valine, which is neutral and non-polar, at codon 273 of the TBCD protein (p.Ala273Val). This variant is present in population databases (rs774443065, gnomAD 0.03%). This variant has not been reported in the literature in individuals affected with TBCD-related conditions. Algorithms developed to predict the effect of missense changes on protein structure and function are either unavailable or do not agree on the potential impact of this missense change (SIFT: "Tolerated"; PolyPhen-2: "Possibly Damaging"; Align-GVGD: "Class C0"). In summary, the available evidence is currently insufficient to determine the role of this variant in disease. Therefore, it has been classified as a Variant of Uncertain Significance.

GeneDx
Classification: Uncertain significance. Last evaluated: 2022-04-23. Review status: criteria provided, single submitter. Criteria: GeneDx Variant Classification Process June 2021. Collection method: clinical testing. Allele origin: germline. Affected: yes.
Comment: In silico analysis supports that this missense variant has a deleterious effect on protein structure/function; Has not been previously published as pathogenic or benign to our knowledge

Breakthrough Genomics
Classification: Uncertain significance. Review status: criteria provided, single submitter. Criteria: ACMG Guidelines, 2015. Collection method: not provided. Allele origin: germline. Inheritance: Autosomal recessive inheritance. Affected: yes.